The following is an entry in ClinVar:

ClinVar aggregate classification (germline): Uncertain significance. Review status: criteria provided, multiple submitters, no conflicts (2 of 4 stars). 2 submissions from 2 submitters: Uncertain significance (2). Last evaluated 2024-04-08.

Conditions:
Epilepsy, childhood absence, susceptibility to, 6. Identifiers: Orphanet 64280, MedGen C2749872, MONDO:0012763, OMIM 611942.
Hyperaldosteronism, familial, type IV (HALD4). Also called: FH IV; ALDOSTERONISM, PRIMARY, AND HYPERTENSION. Identifiers: Orphanet 642671, MedGen C4310756, MONDO:0014875, OMIM 617027.
Idiopathic generalized epilepsy. Also called: Generalised epilepsy; EIG. Identifiers: MedGen C0270850, MONDO:0005579, OMIM 600669.

Allele frequency attached by ClinVar (database versions not stated): gnomAD exomes below 0.00001 and 0.00001; TOPMed below 0.00001; ExAC 0.00001.
gnomAD v4.1: 10 of 1,610,896 alleles (0.00062%); highest among the groups gnomAD compares: Middle Eastern, 0.017%; no homozygotes.

Submissions (2):

Labcorp Genetics (formerly Invitae), Labcorp
Classification: Uncertain significance for Idiopathic generalized epilepsy; Hyperaldosteronism, familial, type IV. Last evaluated: 2024-04-08. Review status: criteria provided, single submitter. Criteria: Invitae Variant Classification Sherloc (09022015). Collection method: clinical testing. Allele origin: germline.
Comment: This sequence change replaces alanine, which is neutral and non-polar, with valine, which is neutral and non-polar, at codon 985 of the CACNA1H protein (p.Ala985Val). The frequency data for this variant in the population databases is considered unreliable, as metrics indicate poor data quality at this position in the gnomAD database. This variant has not been reported in the literature in individuals affected with CACNA1H-related conditions. ClinVar contains an entry for this variant (Variation ID: 1441430). Advanced modeling of protein sequence and biophysical properties (such as structural, functional, and spatial information, amino acid conservation, physicochemical variation, residue mobility, and thermodynamic stability) has been performed at Invitae for this missense variant, however the output from this modeling did not meet the statistical confidence thresholds required to predict the impact of this variant on CACNA1H protein function. In summary, the available evidence is currently insufficient to determine the role of this variant in disease. Therefore, it has been classified as a Variant of Uncertain Significance.

Fulgent Genetics
Classification: Uncertain significance for Epilepsy, childhood absence, susceptibility to, 6; Hyperaldosteronism, familial, type IV. Last evaluated: 2021-12-27. Review status: criteria provided, single submitter. Criteria: ACMG Guidelines, 2015. Collection method: clinical testing. Allele origin: unknown.

NM_021098.3(CACNA1H):c.2954C>T (p.Ala985Val)

Gene: CACNA1H (calcium voltage-gated channel subunit alpha1 H; plus strand). Cytogenetic location: 16p13.3.
Variant type: single nucleotide variant.
Coding change: c.2954C>T on transcript NM_021098.3 (MANE Select); coding-DNA position 2954, C replaced by T.
Protein change: p.Ala985Val; replaces alanine 985 with valine.
Molecular consequence: missense variant.
Genome position (GRCh38, 1-based): chr16:1,207,321, C>T. VCF-style: chr16-1207321-C-T. GRCh37 (hg19) VCF-style: chr16-1257321-C-T.
Other names: c.2954C>T, p.Ala985Val (NM_001005407.2); short protein forms A985V.
Identifiers: ClinVar variation 1441430 (VCV001441430.7), dbSNP rs766946572, ClinGen allele CA7800527.
Genomic context (GRCh38, chr16:1,207,321, plus strand): 5'-CTGCTATCCCCCAGATCCTGACCCAGGAGGACTGGAACGTGGTCCTGTACAACGGCATGG[C>T]CTCCACCTCCTCCTGGGCCGCCCTCTACTTCGTGGCCCTCATGACCTTCGGCAACTATGT-3'
Protein context (NP_066921.2, residues 975-995): DWNVVLYNGM[Ala985Val]STSSWAALYF